The following is an entry in ClinVar:

NM_000321.3(RB1):c.522G>C (p.Leu174Phe)

Gene: RB1 (RB transcriptional corepressor 1; plus strand). Cytogenetic location: 13q14.2.
Variant type: single nucleotide variant.
Coding change: c.522G>C on transcript NM_000321.3 (MANE Select); coding-DNA position 522, G replaced by C.
Protein change: p.Leu174Phe; replaces leucine 174 with phenylalanine.
Molecular consequence: missense variant.
Genome position (GRCh38, 1-based): chr13:48,347,846, G>C. VCF-style: chr13-48347846-G-C. GRCh37 (hg19) VCF-style: chr13-48921982-G-C.
Other names: c.522G>C, p.Leu174Phe (NM_001407165.1, NM_001407166.1); short protein forms L174F.
Identifiers: ClinVar variation 3313042 (VCV003313042.1).

ClinVar aggregate classification (germline): Uncertain significance (1 of 4 stars; one submission).

Conditions:
Hereditary cancer-predisposing syndrome. Also called: Neoplastic Syndromes, Hereditary; Tumor predisposition; Hereditary neoplastic syndrome; Hereditary Cancer Syndrome. Identifiers: Orphanet 140162, MedGen C0027672, MeSH D009386, MONDO:0015356.

Submission:

Ambry Genetics
Classification: Uncertain significance for Hereditary cancer-predisposing syndrome. Last evaluated: 2024-04-04. Review status: criteria provided, single submitter. Criteria: Ambry Variant Classification Scheme 2023. Collection method: clinical testing. Allele origin: germline.
Comment: The p.L174F variant (also known as c.522G>C), located in coding exon 5 of the RB1 gene, results from a G to C substitution at nucleotide position 522. The leucine at codon 174 is replaced by phenylalanine, an amino acid with highly similar properties. This amino acid position is conserved. In addition, this alteration is predicted to be tolerated by in silico analysis. Based on the available evidence, the clinical significance of this variant remains unclear.